The following is an entry in ClinVar:

NM_000426.4(LAMA2):c.1206+3A>G

Gene: LAMA2 (laminin subunit alpha 2; plus strand). Cytogenetic location: 6q22.33.
Variant type: single nucleotide variant.
Coding change: c.1206+3A>G on transcript NM_000426.4 (MANE Select); 3 bases into the intron after coding-DNA position 1206, A replaced by G.
Molecular consequence: intron variant.
Genome position (GRCh38, 1-based): chr6:129,154,686, A>G. VCF-style: chr6-129154686-A-G. GRCh37 (hg19) VCF-style: chr6-129475831-A-G.
Other names: c.1206+3A>G (NM_001079823.2).
Identifiers: ClinVar variation 1377229 (VCV001377229.6), dbSNP rs1260473469, ClinGen allele CA818812138.

ClinVar aggregate classification (germline): Uncertain significance (1 of 4 stars; one submission).

Conditions:
LAMA2-related muscular dystrophy (LAMA2-RD). Also called: Laminin alpha 2-related dystrophy. Identifiers: MedGen C5679788, MONDO:0100228.

Allele frequency attached by ClinVar (database versions not stated): TOPMed 0.00002.

Submission:

Labcorp Genetics (formerly Invitae), Labcorp
Classification: Uncertain significance for LAMA2-related muscular dystrophy. Last evaluated: 2022-12-02. Review status: criteria provided, single submitter. Criteria: Invitae Variant Classification Sherloc (09022015). Collection method: clinical testing. Allele origin: germline.
Comment: In summary, the available evidence is currently insufficient to determine the role of this variant in disease. Therefore, it has been classified as a Variant of Uncertain Significance. Variants that disrupt the consensus splice site are a relatively common cause of aberrant splicing (PMID: 17576681, 9536098). Algorithms developed to predict the effect of sequence changes on RNA splicing suggest that this variant may disrupt the consensus splice site. ClinVar contains an entry for this variant (Variation ID: 1377229). This variant has not been reported in the literature in individuals affected with LAMA2-related conditions. This variant is not present in population databases (gnomAD no frequency). This sequence change falls in intron 8 of the LAMA2 gene. It does not directly change the encoded amino acid sequence of the LAMA2 protein. It affects a nucleotide within the consensus splice site.

Literature cited by the submitters: PubMed 17576681; PubMed 9536098.